The following is an entry in ClinVar:

ClinVar aggregate classification (germline): Uncertain significance (1 of 4 stars; one submission).

Conditions:
Hereditary cancer-predisposing syndrome. Also called: Tumor predisposition; Hereditary neoplastic syndrome; Hereditary Cancer Syndrome; Neoplastic Syndromes, Hereditary. Identifiers: Orphanet 140162, MedGen C0027672, MeSH D009386, MONDO:0015356.

Submission:

Ambry Genetics
Classification: Uncertain significance for Hereditary cancer-predisposing syndrome. Last evaluated: 2025-03-18. Review status: criteria provided, single submitter. Criteria: Ambry Variant Classification Scheme 2023. Collection method: clinical testing. Allele origin: germline.
Comment: The p.T225K variant (also known as c.674C>A), located in coding exon 4 of the RET gene, results from a C to A substitution at nucleotide position 674. The threonine at codon 225 is replaced by lysine, an amino acid with similar properties. This amino acid position is conserved. In addition, this alteration is predicted to be tolerated by in silico analysis. Based on the available evidence, the clinical significance of this variant remains unclear.

NM_020975.6(RET):c.674C>A (p.Thr225Lys)

Gene: RET (ret proto-oncogene; plus strand). Cytogenetic location: 10q11.21.
Variant type: single nucleotide variant.
Coding change: c.674C>A on transcript NM_020975.6 (MANE Select); coding-DNA position 674, C replaced by A.
Protein change: p.Thr225Lys; replaces threonine 225 with lysine.
Molecular consequence: missense variant. On other transcripts: intron variant (22), 5 prime UTR variant (1).
Genome position (GRCh38, 1-based): chr10:43,105,000, C>A. VCF-style: chr10-43105000-C-A. GRCh37 (hg19) VCF-style: chr10-43600448-C-A.
Other names: c.625+2371C>A (NM_001406780.1, NM_001406779.1, NM_001406781.1 and 5 more transcripts); c.496+2371C>A (NM_001406786.1, NM_001406783.1); c.338-4031C>A (NM_001406778.1, NM_001406775.1, NM_001406776.1 and 1 more transcripts); c.337+4278C>A (NM_001406790.1, NM_001406788.1, NM_001406789.1 and 1 more transcripts); c.74-4031C>A (NM_001406784.1); c.74-7099C>A (NM_001406794.1, NM_001406792.1, NM_001406793.1); c.-89C>A (NM_001355216.2); c.674C>A, p.Thr225Lys (NM_001406743.1, NM_001406744.1, NM_001406759.1 and 6 more transcripts); and 2 more; short protein forms T129K, T182K, T225K.
Identifiers: ClinVar variation 3944669 (VCV003944669.1).